The following is an entry in ClinVar:

NM_001378477.3(NYX):c.251G>A (p.Arg84His)

Gene: NYX (nyctalopin; plus strand). Cytogenetic location: Xp11.4.
Variant type: single nucleotide variant.
Coding change: c.251G>A on transcript NM_001378477.3 (MANE Select); coding-DNA position 251, G replaced by A.
Protein change: p.Arg84His; replaces arginine 84 with histidine.
Molecular consequence: missense variant.
Genome position (GRCh38, 1-based): chrX:41,473,719, G>A. VCF-style: chrX-41473719-G-A. GRCh37 (hg19) VCF-style: chrX-41332972-G-A.
Other names: c.251G>A, p.Arg84His (NM_022567.3); short protein forms R84H.
Identifiers: ClinVar variation 1947495 (VCV001947495.5), dbSNP rs745492565, ClinGen allele CA10389794.

ClinVar aggregate classification (germline): Uncertain significance (1 of 4 stars; one submission).

Allele frequency attached by ClinVar (database versions not stated): gnomAD exomes 0.00001.
gnomAD v4.1: 5 of 1,151,747 alleles (0.00043%); highest among the groups gnomAD compares: South Asian, 0.0019%; no homozygotes.

Submission:

Labcorp Genetics (formerly Invitae), Labcorp
Classification: Uncertain significance. Last evaluated: 2022-05-06. Review status: criteria provided, single submitter. Criteria: Invitae Variant Classification Sherloc (09022015). Collection method: clinical testing. Allele origin: germline.
Comment: Algorithms developed to predict the effect of missense changes on protein structure and function output the following: SIFT: "Deleterious"; PolyPhen-2: "Benign"; Align-GVGD: "Class C0". The histidine amino acid residue is found in multiple mammalian species, which suggests that this missense change does not adversely affect protein function. This variant has not been reported in the literature in individuals affected with NYX-related conditions. This variant is not present in population databases (gnomAD no frequency). This sequence change replaces arginine, which is basic and polar, with histidine, which is basic and polar, at codon 89 of the NYX protein (p.Arg89His). In summary, the available evidence is currently insufficient to determine the role of this variant in disease. Therefore, it has been classified as a Variant of Uncertain Significance.